The following is an entry in ClinVar:

NM_001277115.2(DNAH11):c.1065A>G (p.Pro355=)

Gene: DNAH11 (dynein axonemal heavy chain 11; plus strand). Cytogenetic location: 7p15.3.
Variant type: single nucleotide variant.
Coding change: c.1065A>G on transcript NM_001277115.2 (MANE Select); coding-DNA position 1065, A replaced by G.
Protein change: p.Pro355=; no amino-acid change (proline 355 retained).
Molecular consequence: synonymous variant.
Genome position (GRCh38, 1-based): chr7:21,564,268, A>G. VCF-style: chr7-21564268-A-G. GRCh37 (hg19) VCF-style: chr7-21603886-A-G.
Other names: p.Pro355=.
Identifiers: ClinVar variation 178723 (VCV000178723.24), dbSNP rs4392792, ClinGen allele CA182887.

ClinVar aggregate classification (germline): Benign/Likely benign. Review status: criteria provided, multiple submitters, no conflicts (2 of 4 stars). 7 submissions from 7 submitters: Benign (6); Likely benign (1). Last evaluated 2026-02-04.

Conditions:
Primary ciliary dyskinesia. Also called: Ciliary dyskinesia. Identifiers: Orphanet 244, MedGen C0008780, MONDO:0016575, HP:0012265.

Allele frequency attached by ClinVar (database versions not stated): ESP Exome Variant Server 0.09031; ExAC 0.11794; gnomAD 0.12205 and 0.12564; gnomAD exomes 0.12594; TOPMed 0.14184; 1000 Genomes Project 0.22204; 1000 Genomes Project 30x 0.22423.
gnomAD v4.1: 109,554 of 1,613,430 alleles (6.8%); highest among the groups gnomAD compares: East Asian, 30%; 9,200 homozygotes.

Submissions (7):

Labcorp Genetics (formerly Invitae), Labcorp
Classification: Benign for Primary ciliary dyskinesia. Last evaluated: 2026-02-04. Review status: criteria provided, single submitter. Criteria: Invitae Variant Classification Sherloc (09022015). Collection method: clinical testing. Allele origin: germline.

Blueprint Genetics
Classification: Benign. Last evaluated: 2024-11-27. Review status: criteria provided, single submitter. Criteria: ACMG Guidelines, 2015. Collection method: clinical testing. Allele origin: germline.

Mayo Clinic Laboratories, Mayo Clinic
Classification: Benign. Last evaluated: 2022-04-26. Review status: criteria provided, single submitter. Criteria: ACMG Guidelines, 2015. Collection method: clinical testing. Allele origin: germline. Observed: 43 variant alleles.

GeneDx
Classification: Benign. Last evaluated: 2018-11-10. Review status: criteria provided, single submitter. Criteria: GeneDx Variant Classification Process June 2021. Collection method: clinical testing. Allele origin: germline. Affected: yes.

Laboratory for Molecular Medicine, Mass General Brigham Personalized Medicine
Classification: Benign. Last evaluated: 2013-02-21. Review status: criteria provided, single submitter. Criteria: LMM Criteria. Collection method: clinical testing. Allele origin: germline. Observed: 17 variant alleles.
Comment: Pro355Pro in exon 6 of DNAH11: This variant is not expected to have clinical sig nificance because it does not alter an amino acid residue and is not located wit hin the splice consensus sequence. It has been identified in 21.6% (798/3686) of African American chromosomes from a broad population by the NHLBI Exome Sequenc ing Project (dbSNP rs4392792).

Breakthrough Genomics
Classification: Likely benign. Review status: criteria provided, single submitter. Criteria: ACMG Guidelines, 2015. Collection method: not provided. Allele origin: germline. Inheritance: Autosomal recessive inheritance. Affected: yes.

PreventionGenetics, part of Exact Sciences
Classification: Benign. Review status: criteria provided, single submitter. Criteria: ACMG Guidelines, 2015. Collection method: clinical testing. Allele origin: germline.